The following is an entry in ClinVar:

NM_138576.4(BCL11B):c.1995C>T (p.Phe665=)

Gene: BCL11B (BCL11 transcription factor B; minus strand). Cytogenetic location: 14q32.2.
Variant type: single nucleotide variant.
Coding change: c.1995C>T on transcript NM_138576.4 (MANE Select); coding-DNA position 1995, C replaced by T.
Protein change: p.Phe665=; no amino-acid change (phenylalanine 665 retained).
Molecular consequence: synonymous variant.
Genome position (GRCh38, 1-based): chr14:99,174,841, G>A on the plus strand (C>T on the coding strand, the complement: BCL11B is on the minus strand). VCF-style: chr14-99174841-G-A. GRCh37 (hg19) VCF-style: chr14-99641178-G-A.
Other names: c.1992C>T, p.Phe664= (NM_001282237.2); c.1779C>T, p.Phe593= (NM_001282238.2); c.1782C>T, p.Phe594= (NM_022898.3).
Identifiers: ClinVar variation 4847380 (VCV004847380.1).
Genomic context (GRCh38, chr14:99,174,841, plus strand): 5'-GGCGGCGCTGTTGAGCCCGGGGCTGGGCAGCGGCGCGGGCTTGCGCGGGAAGAGCCCGGG[G>A]AAGGGCTCGGTGCCTGGCGCGAAGCCGCCCCCGCGCCCGTTGACCGCGCCGCCCGCGCCC-3'
Protein context (NP_612808.1, residues 655-675): GGGFAPGTEP[Phe665=]PGLFPRKPAP

ClinVar aggregate classification (germline): Likely benign (1 of 4 stars; one submission).

gnomAD v4.1: 34 of 1,312,560 alleles (0.0026%); highest among the groups gnomAD compares: Non-Finnish European, 0.0029%; no homozygotes.

Submission:

Women's Health and Genetics/Laboratory Corporation of America, LabCorp
Classification: Likely benign. Last evaluated: 2026-03-09. Review status: criteria provided, single submitter. Criteria: LabCorp Variant Classification Summary - May 2015. Collection method: clinical testing. Allele origin: germline.
Comment: Variant summary: BCL11B c.1995C>T alters a conserved nucleotide resulting in a synonymous change. Consensus agreement among computation tools predict no significant impact on normal splicing. However, these predictions have yet to be confirmed by functional studies. The variant allele was found at a frequency of 1.9e-05 in 52272 control chromosomes. The available data on variant occurrences in the general population are insufficient to allow any conclusion about variant significance. To our knowledge, no occurrence of c.1995C>T in individuals affected with BCL11B-related conditions and no experimental evidence demonstrating its impact on protein function have been reported. No submitters have cited clinical-significance assessments for this variant to ClinVar. Based on the evidence outlined above, the variant was classified as likely benign.